The following is an entry in ClinVar:

ClinVar aggregate classification (germline): Uncertain significance. Review status: criteria provided, multiple submitters, no conflicts (2 of 4 stars). 2 submissions from 2 submitters: Uncertain significance (2). Last evaluated 2025-10-21.

Allele frequency attached by ClinVar (database versions not stated): gnomAD exomes 0.00001; TOPMed 0.00002; ExAC 0.00004.
gnomAD v4.1: 23 of 1,612,962 alleles (0.0014%); highest among the groups gnomAD compares: East Asian, 0.0045%; no homozygotes.

Submissions (2):

Labcorp Genetics (formerly Invitae), Labcorp
Classification: Uncertain significance. Last evaluated: 2025-10-21. Review status: criteria provided, single submitter. Criteria: Invitae Variant Classification Sherloc (09022015). Collection method: clinical testing. Allele origin: germline.
Comment: This sequence change replaces histidine, which is basic and polar, with tyrosine, which is neutral and polar, at codon 323 of the CCDC50 protein (p.His323Tyr). This variant is present in population databases (rs759783493, gnomAD 0.03%). This variant has not been reported in the literature in individuals affected with CCDC50-related conditions. ClinVar contains an entry for this variant (Variation ID: 2136049). An algorithm developed to predict the effect of missense changes on protein structure and function (PolyPhen-2) suggests that this variant is likely to be tolerated. In summary, the available evidence is currently insufficient to determine the role of this variant in disease. Therefore, it has been classified as a Variant of Uncertain Significance.

GeneDx
Classification: Uncertain significance. Last evaluated: 2022-07-18. Review status: criteria provided, single submitter. Criteria: GeneDx Variant Classification Process June 2021. Collection method: clinical testing. Allele origin: germline. Affected: yes.
Comment: In silico analysis supports that this missense variant does not alter protein structure/function; Has not been previously published as pathogenic or benign to our knowledge

NM_178335.3(CCDC50):c.967C>T (p.His323Tyr)

Gene: CCDC50 (coiled-coil domain containing 50; plus strand). Cytogenetic location: 3q28.
Variant type: single nucleotide variant.
Coding change: c.967C>T on transcript NM_178335.3 (MANE Select); coding-DNA position 967, C replaced by T.
Protein change: p.His323Tyr; replaces histidine 323 with tyrosine.
Molecular consequence: missense variant. On other transcripts: intron variant (1).
Genome position (GRCh38, 1-based): chr3:191,375,580, C>T. VCF-style: chr3-191375580-C-T. GRCh37 (hg19) VCF-style: chr3-191093369-C-T.
Other names: c.449-4579C>T (NM_174908.4); short protein forms H323Y.
Identifiers: ClinVar variation 2136049 (VCV002136049.2), dbSNP rs759783493, ClinGen allele CA2755358.